The following is an entry in ClinVar:

NM_006371.5(CRTAP):c.767T>G (p.Phe256Cys)

Gene: CRTAP (cartilage associated protein; plus strand). Cytogenetic location: 3p22.3.
Variant type: single nucleotide variant.
Coding change: c.767T>G on transcript NM_006371.5 (MANE Select); coding-DNA position 767, T replaced by G.
Protein change: p.Phe256Cys; replaces phenylalanine 256 with cysteine.
Molecular consequence: missense variant.
Genome position (GRCh38, 1-based): chr3:33,124,553, T>G. VCF-style: chr3-33124553-T-G. GRCh37 (hg19) VCF-style: chr3-33166045-T-G.
Other names: c.767T>G, p.Phe256Cys (NM_001393363.1, NM_001393364.1); c.617T>G, p.Phe206Cys (NM_001393365.1); short protein forms F256C, F206C.
Identifiers: ClinVar variation 344811 (VCV000344811.8), dbSNP rs139099707, ClinGen allele CA2300382.

ClinVar aggregate classification (germline): Uncertain significance. Review status: criteria provided, multiple submitters, no conflicts (2 of 4 stars). 3 submissions from 3 submitters: Uncertain significance (3). Last evaluated 2025-01-16.

Conditions:
Osteogenesis imperfecta type 7 (OI7). Also called: OI type 7; OI type VII; OSTEOGENESIS IMPERFECTA, TYPE IIB; Osteogenesis imperfecta type 2B; OI type 2B; Osteogenesis imperfecta, perinatal lethal autosomal recessive. Identifiers: MedGen C1853162, MONDO:0012536, OMIM 610682.
Inborn genetic diseases. Identifiers: MedGen C0950123, MeSH D030342.

Allele frequency attached by ClinVar (database versions not stated): ExAC 0.00001; gnomAD exomes 0.00001 and 0.00002; gnomAD 0.00002; TOPMed 0.00002; ESP Exome Variant Server 0.00008.
gnomAD v4.1: 34 of 1,614,108 alleles (0.0021%); highest among the groups gnomAD compares: Non-Finnish European, 0.0028%; no homozygotes.

Submissions (3):

Ambry Genetics
Classification: Uncertain significance for Inborn genetic diseases. Last evaluated: 2025-01-16. Review status: criteria provided, single submitter. Criteria: Ambry Variant Classification Scheme 2023. Collection method: clinical testing. Allele origin: germline.

Labcorp Genetics (formerly Invitae), Labcorp
Classification: Uncertain significance for Osteogenesis imperfecta type 7. Last evaluated: 2021-10-04. Review status: criteria provided, single submitter. Criteria: Invitae Variant Classification Sherloc (09022015). Collection method: clinical testing. Allele origin: germline.
Comment: This sequence change replaces phenylalanine with cysteine at codon 256 of the CRTAP protein (p.Phe256Cys). The phenylalanine residue is highly conserved and there is a large physicochemical difference between phenylalanine and cysteine. This variant is present in population databases (rs139099707, ExAC 0.01%). This variant has not been reported in the literature in individuals affected with CRTAP-related conditions. ClinVar contains an entry for this variant (Variation ID: 344811). Algorithms developed to predict the effect of missense changes on protein structure and function are either unavailable or do not agree on the potential impact of this missense change (SIFT: "Tolerated"; PolyPhen-2: "Probably Damaging"; Align-GVGD: "Class C15"). In summary, the available evidence is currently insufficient to determine the role of this variant in disease. Therefore, it has been classified as a Variant of Uncertain Significance.

Illumina Laboratory Services, Illumina
Classification: Uncertain significance for Osteogenesis imperfecta type 7. Last evaluated: 2018-01-12. Review status: criteria provided, single submitter. Criteria: ICSL Variant Classification Criteria 13 December 2019. Collection method: clinical testing. Allele origin: germline.